The following is an entry in ClinVar:

ClinVar aggregate classification (germline): Uncertain significance (1 of 4 stars; one submission).

gnomAD v4.1: 1 of 1,613,740 alleles (0.000062%); highest among the groups gnomAD compares: Non-Finnish European, 0.000085%; no homozygotes.

Submission:

Labcorp Genetics (formerly Invitae), Labcorp
Classification: Uncertain significance. Last evaluated: 2025-02-04. Review status: criteria provided, single submitter. Criteria: Invitae Variant Classification Sherloc (09022015). Collection method: clinical testing. Allele origin: germline.
Comment: This sequence change replaces glycine, which is neutral and non-polar, with valine, which is neutral and non-polar, at codon 88 of the SHPK protein (p.Gly88Val). This variant is not present in population databases (gnomAD no frequency). This variant has not been reported in the literature in individuals affected with SHPK-related conditions. An algorithm developed to predict the effect of missense changes on protein structure and function (PolyPhen-2) suggests that this variant is likely to be disruptive. In summary, the available evidence is currently insufficient to determine the role of this variant in disease. Therefore, it has been classified as a Variant of Uncertain Significance.

NM_013276.4(SHPK):c.263G>T (p.Gly88Val)

Gene: SHPK (sedoheptulokinase; minus strand). Cytogenetic location: 17p13.2.
Variant type: single nucleotide variant.
Coding change: c.263G>T on transcript NM_013276.4 (MANE Select); coding-DNA position 263, G replaced by T.
Protein change: p.Gly88Val; replaces glycine 88 with valine.
Molecular consequence: missense variant.
Genome position (GRCh38, 1-based): chr17:3,630,252, C>A on the plus strand (G>T on the coding strand, the complement: SHPK is on the minus strand). VCF-style: chr17-3630252-C-A. GRCh37 (hg19) VCF-style: chr17-3533546-C-A.
Other names: short protein forms G88V.
Identifiers: ClinVar variation 4712271 (VCV004712271.1).